The following is an entry in ClinVar:

NM_000390.4(CHM):c.372T>C (p.Leu124=)

Genes: CHM (CHM Rab escort protein; minus strand), LOC129391306 (MPRA-validated peak7401 silencer; plus strand). Cytogenetic location: Xq21.2.
Variant type: single nucleotide variant.
Coding change: c.372T>C on transcript NM_000390.4 (MANE Select); coding-DNA position 372, T replaced by C.
Protein change: p.Leu124=; no amino-acid change (leucine 124 retained).
Molecular consequence: synonymous variant. On other transcripts: 5 prime UTR variant (4).
Genome position (GRCh38, 1-based): chrX:85,963,995, A>G on the plus strand (T>C on the coding strand, the complement: CHM is on the minus strand). VCF-style: chrX-85963995-A-G. GRCh37 (hg19) VCF-style: chrX-85219000-A-G.
Other names: c.-73T>C (NM_001320959.1, NM_001362517.1, NM_001362518.2 and 1 more transcripts); c.372T>C (NM_000390.3).
Identifiers: ClinVar variation 1157476 (VCV001157476.11), dbSNP rs1569229228, ClinGen allele CA517735843.
Genomic context (GRCh38, chrX:85,963,995, plus strand): 5'-CTCATCCTCCGTAGGCAGGAAGGCAGAATCTGCAGCTTCTGTGGAGTTTGCAGATGTCAC[A>G]AGAGCATGATTTTTCTGCAGTGCACCAGCTTCTTCGACATCTTCATGCAAATCCTGACTA-3'
Protein context (NP_000381.1, residues 114-134): EAGALQKNHA[Leu124=]VTSANSTEAA

ClinVar aggregate classification (germline): Likely benign. Review status: criteria provided, single submitter (1 of 4 stars). 2 submissions from 2 submitters: Likely benign (1). 1 of the submissions does not count toward it. Last evaluated 2024-05-31.

Conditions:
CHM-related disorder. Also called: CHM-related condition.

Allele frequency attached by ClinVar (database versions not stated): gnomAD exomes below 0.00001 and 0.00001; TOPMed below 0.00001; gnomAD 0.00001.
gnomAD v4.1: 5 of 1,207,112 alleles (0.00041%); highest among the groups gnomAD compares: African/African-American, 0.0088%; no homozygotes.

Submissions (2):

Labcorp Genetics (formerly Invitae), Labcorp
Classification: Likely benign. Last evaluated: 2024-05-31. Review status: criteria provided, single submitter. Criteria: Invitae Variant Classification Sherloc (09022015). Collection method: clinical testing. Allele origin: germline.

PreventionGenetics, part of Exact Sciences
Classification: Likely benign for CHM-related condition. Last evaluated: 2019-07-03. Review status: no assertion criteria provided. Collection method: clinical testing. Allele origin: germline. Not counted in ClinVar's aggregate classification.
Comment: This variant is classified as likely benign based on ACMG/AMP sequence variant interpretation guidelines (Richards et al. 2015 PMID: 25741868, with internal and published modifications).